The following is an entry in ClinVar:

NM_001273.5(CHD4):c.4897A>G (p.Thr1633Ala)

Genes: CHD4 (chromodomain helicase DNA binding protein 4; minus strand), CHD4-AS1 (CHD4 antisense RNA 1; plus strand). Cytogenetic location: 12p13.31.
Variant type: single nucleotide variant.
Coding change: c.4897A>G on transcript NM_001273.5 (MANE Select); coding-DNA position 4897, A replaced by G.
Protein change: p.Thr1633Ala; replaces threonine 1633 with alanine.
Molecular consequence: missense variant.
Genome position (GRCh38, 1-based): chr12:6,581,056, T>C on the plus strand (A>G on the coding strand, the complement: CHD4 is on the minus strand). VCF-style: chr12-6581056-T-C. GRCh37 (hg19) VCF-style: chr12-6690222-T-C.
Other names: c.4876A>G, p.Thr1626Ala (NM_001297553.2); c.4858A>G, p.Thr1620Ala (NM_001363606.2); short protein forms T1620A, T1626A, T1633A.
Identifiers: ClinVar variation 3663896 (VCV003663896.2).

ClinVar aggregate classification (germline): Uncertain significance (1 of 4 stars; one submission).

Submission:

Labcorp Genetics (formerly Invitae), Labcorp
Classification: Uncertain significance. Last evaluated: 2024-08-29. Review status: criteria provided, single submitter. Criteria: Invitae Variant Classification Sherloc (09022015). Collection method: clinical testing. Allele origin: germline.
Comment: This sequence change replaces threonine, which is neutral and polar, with alanine, which is neutral and non-polar, at codon 1633 of the CHD4 protein (p.Thr1633Ala). This variant is not present in population databases (gnomAD no frequency). This variant has not been reported in the literature in individuals affected with CHD4-related conditions. Invitae Evidence Modeling of protein sequence and biophysical properties (such as structural, functional, and spatial information, amino acid conservation, physicochemical variation, residue mobility, and thermodynamic stability) indicates that this missense variant is not expected to disrupt CHD4 protein function with a negative predictive value of 80%. In summary, the available evidence is currently insufficient to determine the role of this variant in disease. Therefore, it has been classified as a Variant of Uncertain Significance.